The following is an entry in ClinVar:

ClinVar aggregate classification (germline): Uncertain significance. Review status: criteria provided, multiple submitters, no conflicts (2 of 4 stars). 3 submissions from 3 submitters: Uncertain significance (3). Last evaluated 2025-02-17.

Conditions:
Inborn genetic diseases. Identifiers: MedGen C0950123, MeSH D030342.

Allele frequency attached by ClinVar (database versions not stated): ExAC 0.00001; gnomAD exomes 0.00001; gnomAD 0.00004; TOPMed 0.00006.

Submissions (3):

Labcorp Genetics (formerly Invitae), Labcorp
Classification: Uncertain significance. Last evaluated: 2025-02-17. Review status: criteria provided, single submitter. Criteria: Invitae Variant Classification Sherloc (09022015). Collection method: clinical testing. Allele origin: germline.
Comment: This sequence change replaces tyrosine, which is neutral and polar, with cysteine, which is neutral and slightly polar, at codon 202 of the CEP78 protein (p.Tyr202Cys). This variant is present in population databases (rs776469937, gnomAD 0.01%). This variant has not been reported in the literature in individuals affected with CEP78-related conditions. ClinVar contains an entry for this variant (Variation ID: 1022890). An algorithm developed to predict the effect of missense changes on protein structure and function (PolyPhen-2) suggests that this variant is likely to be disruptive. In summary, the available evidence is currently insufficient to determine the role of this variant in disease. Therefore, it has been classified as a Variant of Uncertain Significance.

Ambry Genetics
Classification: Uncertain significance for Inborn genetic diseases. Last evaluated: 2023-12-14. Review status: criteria provided, single submitter. Criteria: Ambry Variant Classification Scheme 2023. Collection method: clinical testing. Allele origin: germline.

Blueprint Genetics
Classification: Uncertain significance. Last evaluated: 2022-06-23. Review status: criteria provided, single submitter. Criteria: ACMG Guidelines, 2015. Collection method: clinical testing. Allele origin: germline.

NM_001330691.3(CEP78):c.605A>G (p.Tyr202Cys)

Gene: CEP78 (centrosomal protein 78; plus strand). Cytogenetic location: 9q21.2.
Variant type: single nucleotide variant.
Coding change: c.605A>G on transcript NM_001330691.3 (MANE Select); coding-DNA position 605, A replaced by G.
Protein change: p.Tyr202Cys; replaces tyrosine 202 with cysteine.
Molecular consequence: missense variant.
Genome position (GRCh38, 1-based): chr9:78,243,463, A>G. VCF-style: chr9-78243463-A-G. GRCh37 (hg19) VCF-style: chr9-80858379-A-G.
Other names: c.605A>G, p.Tyr202Cys (NM_001098802.3, NM_001330693.3, NM_001330694.2 and 4 more transcripts); c.605A>G (NM_001098802.1); short protein forms Y202C.
Identifiers: ClinVar variation 1022890 (VCV001022890.12), dbSNP rs776469937, ClinGen allele CA5094983.